The following is an entry in ClinVar:

NM_170707.4(LMNA):c.108G>T (p.Gln36His)

Gene: LMNA (lamin A/C; plus strand). Cytogenetic location: 1q22.
Variant type: single nucleotide variant.
Coding change: c.108G>T on transcript NM_170707.4 (MANE Select); coding-DNA position 108, G replaced by T.
Protein change: p.Gln36His; replaces glutamine 36 with histidine.
Molecular consequence: missense variant.
Genome position (GRCh38, 1-based): chr1:156,115,026, G>T. VCF-style: chr1-156115026-G-T. GRCh37 (hg19) VCF-style: chr1-156084817-G-T.
Other names: c.108G>T, p.Gln36His (NM_001282625.2, NM_001282626.2, NM_005572.4 and 1 more transcripts); short protein forms Q36H.
Identifiers: ClinVar variation 1422153 (VCV001422153.8), dbSNP rs2102817523, ClinGen allele CA342807583.

ClinVar aggregate classification (germline): Uncertain significance. Review status: criteria provided, single submitter (1 of 4 stars). 2 submissions from 2 submitters: Uncertain significance (1). 1 of the submissions does not count toward it. Last evaluated 2021-03-04.

Conditions:
Charcot-Marie-Tooth disease type 2. Also called: Charcot-Marie-Tooth type 2. Identifiers: Orphanet 64746, MedGen C0270914, MONDO:0018993.
Congenital muscular dystrophy due to LMNA mutation. Also called: Congenital muscular dystrophy, LMNA-related; Lamin A-related Congenital Muscular Dystrophy. Identifiers: Orphanet 157973, MedGen C2750785, MONDO:0013178, OMIM 613205.

Submissions (2):

Labcorp Genetics (formerly Invitae), Labcorp
Classification: Uncertain significance for Charcot-Marie-Tooth disease type 2. Last evaluated: 2021-03-04. Review status: criteria provided, single submitter. Criteria: Invitae Variant Classification Sherloc (09022015). Collection method: clinical testing. Allele origin: germline.
Comment: This sequence change replaces glutamine with histidine at codon 36 of the LMNA protein (p.Gln36His). The glutamine residue is highly conserved and there is a small physicochemical difference between glutamine and histidine. This variant is not present in population databases (ExAC no frequency). This variant has not been reported in the literature in individuals with LMNA-related conditions. Algorithms developed to predict the effect of missense changes on protein structure and function are either unavailable or do not agree on the potential impact of this missense change (SIFT: "Deleterious"; PolyPhen-2: "Possibly Damaging"; Align-GVGD: "Class C15"). In summary, the available evidence is currently insufficient to determine the role of this variant in disease. Therefore, it has been classified as a Variant of Uncertain Significance.

School of Medicine, Universitat de Girona
Classification: Uncertain significance for Congenital muscular dystrophy due to LMNA mutation. Review status: no assertion criteria provided. Collection method: research. Allele origin: inherited. Affected: yes. Not counted in ClinVar's aggregate classification.